The following is an entry in ClinVar:

NM_001171613.2(PREPL):c.1624C>T (p.Pro542Ser)

Gene: PREPL (prolyl endopeptidase like; minus strand). Cytogenetic location: 2p21.
Variant type: single nucleotide variant.
Coding change: c.1624C>T on transcript NM_001171613.2 (MANE Select); coding-DNA position 1624, C replaced by T.
Protein change: p.Pro542Ser; replaces proline 542 with serine.
Molecular consequence: missense variant.
Genome position (GRCh38, 1-based): chr2:44,323,267, G>A on the plus strand (C>T on the coding strand, the complement: PREPL is on the minus strand). VCF-style: chr2-44323267-G-A. GRCh37 (hg19) VCF-style: chr2-44550406-G-A.
Other names: c.1705C>T, p.Pro569Ser (NM_001042385.2); c.1693C>T, p.Pro565Ser (NM_001042386.2); c.1891C>T, p.Pro631Ser (NM_001171603.1, NM_001171606.2, NM_001374275.1 and 2 more transcripts); c.1624C>T, p.Pro542Ser (NM_001171617.1, NM_001374277.1); short protein forms P542S, P565S, P569S, P631S.
Identifiers: ClinVar variation 1016254 (VCV001016254.7), dbSNP rs1436277134, ClinGen allele CA346688680.

ClinVar aggregate classification (germline): Uncertain significance (1 of 4 stars; one submission).

Conditions:
Myasthenic syndrome, congenital, 22 (CMS22). Also called: PREPL DEFICIENCY. Identifiers: MedGen C4479088, MONDO:0044299, OMIM 616224.

Allele frequency attached by ClinVar (database versions not stated): gnomAD exomes below 0.00001.
gnomAD v4.1: 4 of 1,597,702 alleles (0.00025%); highest among the groups gnomAD compares: Non-Finnish European, 0.00034%; no homozygotes.

Submission:

Labcorp Genetics (formerly Invitae), Labcorp
Classification: Uncertain significance for Myasthenic syndrome, congenital, 22. Last evaluated: 2022-08-31. Review status: criteria provided, single submitter. Criteria: Invitae Variant Classification Sherloc (09022015). Collection method: clinical testing. Allele origin: germline.
Comment: This sequence change replaces proline, which is neutral and non-polar, with serine, which is neutral and polar, at codon 631 of the PREPL protein (p.Pro631Ser). This variant is present in population databases (no rsID available, gnomAD 0.0009%). This variant has not been reported in the literature in individuals affected with PREPL-related conditions. ClinVar contains an entry for this variant (Variation ID: 1016254). Algorithms developed to predict the effect of missense changes on protein structure and function are either unavailable or do not agree on the potential impact of this missense change (SIFT: "Tolerated"; PolyPhen-2: "Possibly Damaging"; Align-GVGD: "Class C0"). In summary, the available evidence is currently insufficient to determine the role of this variant in disease. Therefore, it has been classified as a Variant of Uncertain Significance.